The following is an entry in ClinVar:

NM_001458.5(FLNC):c.6208+1G>A

Genes: FLNC (filamin C; plus strand), FLNC-AS1 (FLNC antisense RNA 1; minus strand). Cytogenetic location: 7q32.1.
Variant type: single nucleotide variant.
Coding change: c.6208+1G>A on transcript NM_001458.5 (MANE Select); the canonical splice donor site of the intron after coding-DNA position 6208, G replaced by A.
Molecular consequence: splice donor variant.
Genome position (GRCh38, 1-based): chr7:128,853,032, G>A. VCF-style: chr7-128853032-G-A. GRCh37 (hg19) VCF-style: chr7-128493086-G-A.
Other names: c.6109+1G>A (NM_001127487.2).
Identifiers: ClinVar variation 1752197 (VCV001752197.3), dbSNP rs1808890205, ClinGen allele CA369211717.

ClinVar aggregate classification (germline): Uncertain significance (1 of 4 stars; one submission).

Conditions:
Cardiovascular phenotype. Identifiers: MedGen CN230736.

Allele frequency attached by ClinVar (database versions not stated): gnomAD exomes below 0.00001.
gnomAD v4.1: 1 of 1,612,840 alleles (0.000062%); highest among the groups gnomAD compares: Non-Finnish European, 0.000085%; no homozygotes.

Submission:

Ambry Genetics
Classification: Uncertain significance for Cardiovascular phenotype. Last evaluated: 2026-08-20. Review status: criteria provided, single submitter. Criteria: Ambry Variant Classification Scheme 2023. Collection method: clinical testing. Allele origin: germline.
Comment: The c.6208+1G>A intronic variant results from a G to A substitution one nucleotide after coding exon 37 of the FLNC gene. This variant was reported in individual(s) with features consistent with dilated cardiomyopathy (DCM) (Trachtenberg BH et al. Genet Med, 2022 Jul;24:1495-1502). Variants that disrupt the canonical splice site are expected to result in aberrant splicing. In silico splice site analysis predicts that this alteration will weaken the native splice donor site. A resulting transcript is predicted to be in-frame and is not expected to trigger nonsense-mediated mRNAdecay; although, direct evidence is unavailable. This nucleotide position is highly conserved in available vertebrate species. Based on the available evidence, the clinical significance of this variant remains unclear.

Literature cited by the submitters: PubMed 35438637.